The following is an entry in ClinVar:

ClinVar aggregate classification (germline): Uncertain significance (1 of 4 stars; one submission).

Conditions:
Familial isolated arrhythmogenic right ventricular dysplasia. Identifiers: Orphanet 217656, MedGen C4274968, MONDO:0016342.

gnomAD v4.1: 1 of 1,614,092 alleles (0.000062%); highest among the groups gnomAD compares: Non-Finnish European, 0.000085%; no homozygotes.

Submission:

All of Us Research Program, National Institutes of Health
Classification: Uncertain significance for Familial isolated arrhythmogenic right ventricular dysplasia. Last evaluated: 2024-08-13. Review status: criteria provided, single submitter. Criteria: ACMG Guidelines, 2015. Collection method: clinical testing. Allele origin: germline. Inheritance: Autosomal dominant inheritance. Observed: 1 variant allele, 1 heterozygote.
Comment: This missense variant replaces glutamine with histidine at codon 876 of the DSC2 protein. Computational prediction suggests that this variant may not impact protein structure and function (internally defined REVEL score threshold <= 0.5, PMID: 27666373). To our knowledge, functional studies have not been reported for this variant. This variant has not been reported in individuals affected with DSC2-related disorders in the literature. This variant has not been identified in the general population by the Genome Aggregation Database (gnomAD). The available evidence is insufficient to determine the role of this variant in disease conclusively. Therefore, this variant is classified as a Variant of Uncertain Significance.

This study involves interpretation of variants in research participants for the purpose of population health screening. Participant phenotype was not available at the time of variant classification. Additional details can be found in publication PMID: 35346344, PMCID: PMC8962531

NM_024422.6(DSC2):c.2628A>C (p.Gln876His)

Gene: DSC2 (desmocollin 2; minus strand). Cytogenetic location: 18q12.1.
Variant type: single nucleotide variant.
Coding change: c.2628A>C on transcript NM_024422.6 (MANE Select); coding-DNA position 2628, A replaced by C.
Protein change: p.Gln876His; replaces glutamine 876 with histidine.
Molecular consequence: missense variant. On other transcripts: 3 prime UTR variant (2).
Genome position (GRCh38, 1-based): chr18:31,068,093, T>G on the plus strand (A>C on the coding strand, the complement: DSC2 is on the minus strand). VCF-style: chr18-31068093-T-G. GRCh37 (hg19) VCF-style: chr18-28648059-T-G.
Other names: c.2199A>C, p.Gln733His (NM_001406506.1); c.*130A>C (NM_001406507.1, NM_004949.5); short protein forms Q733H, Q876H.
Identifiers: ClinVar variation 3386507 (VCV003386507.1).